The following is an entry in ClinVar:

NM_001365951.3(KIF1B):c.4494G>C (p.Lys1498Asn)

Gene: KIF1B (kinesin family member 1B; plus strand). Cytogenetic location: 1p36.22.
Variant type: single nucleotide variant.
Coding change: c.4494G>C on transcript NM_001365951.3 (MANE Select); coding-DNA position 4494, G replaced by C.
Protein change: p.Lys1498Asn; replaces lysine 1498 with asparagine.
Molecular consequence: missense variant.
Genome position (GRCh38, 1-based): chr1:10,365,227, G>C. VCF-style: chr1-10365227-G-C. GRCh37 (hg19) VCF-style: chr1-10425285-G-C.
Other names: c.4494G>C, p.Lys1498Asn (NM_001365952.1); c.4356G>C, p.Lys1452Asn (NM_015074.3); short protein forms K1498N, K1452N.
Identifiers: ClinVar variation 2448798 (VCV002448798.3), dbSNP rs2521912028, ClinGen allele CA338321135.

ClinVar aggregate classification (germline): Uncertain significance (1 of 4 stars; one submission).

Submission:

Ambry Genetics
Classification: Uncertain significance. Last evaluated: 2025-06-08. Review status: criteria provided, single submitter. Criteria: Ambry Variant Classification Scheme 2023. Collection method: clinical testing. Allele origin: germline.
Comment: The p.K1452N variant (also known as c.4356G>C), located in coding exon 39 of the KIF1B gene, results from a G to C substitution at nucleotide position 4356. The lysine at codon 1452 is replaced by asparagine, an amino acid with similar properties. This amino acid position is conserved. In addition, the in silico prediction for this alteration is inconclusive. Since supporting evidence is limited at this time, the clinical significance of this alteration remains unclear.